The following is an entry in ClinVar:

ClinVar aggregate classification (germline): Uncertain significance (1 of 4 stars; one submission).

Conditions:
Hypertrophic cardiomyopathy. Also called: HYPERTROPHIC MYOCARDIOPATHY. Identifiers: Orphanet 217569, MedGen C0007194, MeSH D002312, MONDO:0005045, HP:0001639.

Submission:

Labcorp Genetics (formerly Invitae), Labcorp
Classification: Uncertain significance for Hypertrophic cardiomyopathy. Last evaluated: 2025-02-04. Review status: criteria provided, single submitter. Criteria: Invitae Variant Classification Sherloc (09022015). Collection method: clinical testing. Allele origin: germline.
Comment: This sequence change replaces valine, which is neutral and non-polar, with aspartic acid, which is acidic and polar, at codon 219 of the MYBPC3 protein (p.Val219Asp). This variant is not present in population databases (gnomAD no frequency). This variant has not been reported in the literature in individuals affected with MYBPC3-related conditions. An algorithm developed to predict the effect of missense changes on protein structure and function (PolyPhen-2) suggests that this variant is likely to be disruptive. In summary, the available evidence is currently insufficient to determine the role of this variant in disease. Therefore, it has been classified as a Variant of Uncertain Significance.

NM_000256.3(MYBPC3):c.656T>A (p.Val219Asp)

Gene: MYBPC3 (myosin binding protein C3; minus strand). Cytogenetic location: 11p11.2.
Variant type: single nucleotide variant.
Coding change: c.656T>A on transcript NM_000256.3 (MANE Select); coding-DNA position 656, T replaced by A.
Protein change: p.Val219Asp; replaces valine 219 with aspartic acid.
Molecular consequence: missense variant.
Genome position (GRCh38, 1-based): chr11:47,348,540, A>T on the plus strand (T>A on the coding strand, the complement: MYBPC3 is on the minus strand). VCF-style: chr11-47348540-A-T. GRCh37 (hg19) VCF-style: chr11-47370091-A-T.
Other names: short protein forms V219D.
Identifiers: ClinVar variation 3717290 (VCV003717290.2).
Genomic context (GRCh38, chr11:47,348,540, plus strand): 5'-CAGCGGTAGCTGCCAGTGAAGGCAGGCTGGGCATCGGTGATGTGCAGCTCGAACAGATAG[A>T]CCTGTGTGCATGGAGGGACGGGGCGTCAGGGGACACCAGGGGCCGGGAGACAAGGCTCCG-3'
Protein context (NP_000247.2, residues 209-229): LHDSYDRASK[Val219Asp]YLFELHITDA